The following is an entry in ClinVar:

ClinVar aggregate classification (germline): Uncertain significance. Review status: criteria provided, multiple submitters, no conflicts (2 of 4 stars). 2 submissions from 2 submitters: Uncertain significance (2). Last evaluated 2021-10-22.

Conditions:
Cardiovascular phenotype. Identifiers: MedGen CN230736.
Brugada syndrome. Also called: Sudden unexplained nocturnal death syndrome; Sudden unexpected nocturnal death syndrome; Sudden Unexplained Death Syndrome; Sudden Unexplained Nocturnal Death Syndrome (SUNDS). Identifiers: Orphanet 130, MedGen C1142166, MONDO:0015263.

Allele frequency attached by ClinVar (database versions not stated): gnomAD 0.00001; gnomAD exomes 0.00001.
gnomAD v4.1: 5 of 1,611,690 alleles (0.00031%); highest among the groups gnomAD compares: Admixed American, 0.0084%; no homozygotes.

Submissions (2):

Ambry Genetics
Classification: Uncertain significance for Cardiovascular phenotype. Last evaluated: 2021-10-22. Review status: criteria provided, single submitter. Criteria: Ambry Variant Classification Scheme 2023. Collection method: clinical testing. Allele origin: germline.

Labcorp Genetics (formerly Invitae), Labcorp
Classification: Uncertain significance for Brugada syndrome. Last evaluated: 2021-01-04. Review status: criteria provided, single submitter. Criteria: Invitae Variant Classification Sherloc (09022015). Collection method: clinical testing. Allele origin: germline.
Comment: Algorithms developed to predict the effect of missense changes on protein structure and function (SIFT, PolyPhen-2, Align-GVGD) all suggest that this variant is likely to be disruptive, but these predictions have not been confirmed by published functional studies and their clinical significance is uncertain. In summary, the available evidence is currently insufficient to determine the role of this variant in disease. Therefore, it has been classified as a Variant of Uncertain Significance. This variant has not been reported in the literature in individuals with CACNA2D1-related conditions. This variant is not present in population databases (ExAC no frequency). This sequence change replaces proline with serine at codon 868 of the CACNA2D1 protein (p.Pro868Ser). The proline residue is highly conserved and there is a moderate physicochemical difference between proline and serine.

NM_000722.4(CACNA2D1):c.2602C>T (p.Pro868Ser)

Gene: CACNA2D1 (calcium voltage-gated channel auxiliary subunit alpha2delta 1; minus strand). Cytogenetic location: 7q21.11.
Variant type: single nucleotide variant.
Coding change: c.2602C>T on transcript NM_000722.4 (MANE Select); coding-DNA position 2602, C replaced by T.
Protein change: p.Pro868Ser; replaces proline 868 with serine.
Molecular consequence: missense variant.
Genome position (GRCh38, 1-based): chr7:81,964,332, G>A on the plus strand (C>T on the coding strand, the complement: CACNA2D1 is on the minus strand). VCF-style: chr7-81964332-G-A. GRCh37 (hg19) VCF-style: chr7-81593648-G-A.
Other names: c.2638C>T, p.Pro880Ser (NM_001366867.1); c.2602C>T (NM_000722.2); short protein forms P868S, P880S.
Identifiers: ClinVar variation 1504527 (VCV001504527.9), dbSNP rs1454596711, ClinGen allele CA367885706.